The following is an entry in ClinVar:

NM_018341.3(ERMARD):c.675T>A (p.Thr225=)

Gene: ERMARD (ER membrane associated RNA degradation; plus strand). Cytogenetic location: 6q27.
Variant type: single nucleotide variant.
Coding change: c.675T>A on transcript NM_018341.3 (MANE Select); coding-DNA position 675, T replaced by A.
Protein change: p.Thr225=; no amino-acid change (threonine 225 retained).
Molecular consequence: synonymous variant.
Genome position (GRCh38, 1-based): chr6:169,759,907, T>A. VCF-style: chr6-169759907-T-A. GRCh37 (hg19) VCF-style: chr6-170160003-T-A.
Other names: c.675T>A, p.Thr225= (NM_001278531.2, NM_001278533.2); c.297T>A, p.Thr99= (NM_001278532.2, NM_001410957.1).
Identifiers: ClinVar variation 2657146 (VCV002657146.24), dbSNP rs530971219, ClinGen allele CA453165945.

ClinVar aggregate classification (germline): Likely benign (1 of 4 stars; one submission).

Submission:

CeGaT Center for Human Genetics Tuebingen
Classification: Likely benign. Last evaluated: 2023-06-01. Review status: criteria provided, single submitter. Criteria: CeGaT Center For Human Genetics Tuebingen Variant Classification Criteria Version 2. Collection method: clinical testing. Allele origin: germline. Affected: yes. Observed: 1 variant allele.
Comment: ERMARD: PM2:Supporting, BP4, BP7